The following is an entry in ClinVar:

NM_005413.4(SIX3):c.686C>T (p.Pro229Leu)

Gene: SIX3 (SIX homeobox 3; plus strand). Cytogenetic location: 2p21.
Variant type: single nucleotide variant.
Coding change: c.686C>T on transcript NM_005413.4 (MANE Select); coding-DNA position 686, C replaced by T.
Protein change: p.Pro229Leu; replaces proline 229 with leucine.
Molecular consequence: missense variant.
Genome position (GRCh38, 1-based): chr2:44,942,790, C>T. VCF-style: chr2-44942790-C-T. GRCh37 (hg19) VCF-style: chr2-45169929-C-T.
Other names: short protein forms P229L.
Identifiers: ClinVar variation 1329955 (VCV001329955.1), dbSNP rs2103642448, ClinGen allele CA346800143.

ClinVar aggregate classification (germline): Uncertain significance (1 of 4 stars; one submission).

Conditions:
Holoprosencephaly 2 (HPE2). Identifiers: Orphanet 2162, MedGen C1834877, MONDO:0007999, OMIM 157170.

Submission:

Institute of Human Genetics, University of Leipzig Medical Center
Classification: Uncertain significance for Holoprosencephaly 2. Last evaluated: 2021-12-15. Review status: criteria provided, single submitter. Criteria: ACMG Guidelines, 2015. Collection method: clinical testing. Allele origin: unknown. Affected: yes.
Comment: _x000D_ Criteria applied: PM1_SUP, PM2_SUP, PP3